The following is an entry in ClinVar:

NM_000093.5(COL5A1):c.4684C>A (p.Pro1562Thr)

Genes: COL5A1 (collagen type V alpha 1 chain; plus strand), LOC101448202 (uncharacterized LOC101448202; minus strand). Cytogenetic location: 9q34.3.
Variant type: single nucleotide variant.
Coding change: c.4684C>A on transcript NM_000093.5 (MANE Select); coding-DNA position 4684, C replaced by A.
Protein change: p.Pro1562Thr; replaces proline 1562 with threonine.
Molecular consequence: missense variant.
Genome position (GRCh38, 1-based): chr9:134,823,455, C>A. VCF-style: chr9-134823455-C-A. GRCh37 (hg19) VCF-style: chr9-137715301-C-A.
Other names: c.4684C>A, p.Pro1562Thr (NM_001278074.1); short protein forms P1562T.
Identifiers: ClinVar variation 3370577 (VCV003370577.1).

ClinVar aggregate classification (germline): Uncertain significance (1 of 4 stars; one submission).

gnomAD v4.1: 1 of 1,614,140 alleles (0.000062%); highest among the groups gnomAD compares: Non-Finnish European, 0.000085%; no homozygotes.

Submission:

GeneDx
Classification: Uncertain significance. Last evaluated: 2024-03-08. Review status: criteria provided, single submitter. Criteria: GeneDx Variant Classification Process June 2021. Collection method: clinical testing. Allele origin: germline. Affected: yes.
Comment: Not observed at significant frequency in large population cohorts (gnomAD); In silico analysis supports that this missense variant has a deleterious effect on protein structure/function; Occurs in the triple helical domain at the X position in the canonical Gly-X-Y repeat; although this variant may have an effect on normal protein folding and function, missense substitution at the X position is not a common mechanism of disease (PMID: 22696272; HGMD); Has not been previously published as pathogenic or benign to our knowledge; This variant is associated with the following publications: (PMID: 22696272)